The following is an entry in ClinVar:

ClinVar aggregate classification (germline): Uncertain significance (1 of 4 stars; one submission).

Conditions:
Hereditary cancer-predisposing syndrome. Also called: Neoplastic Syndromes, Hereditary; Tumor predisposition; Hereditary Cancer Syndrome; Hereditary neoplastic syndrome. Identifiers: Orphanet 140162, MedGen C0027672, MeSH D009386, MONDO:0015356.

Submission:

Ambry Genetics
Classification: Uncertain significance for Hereditary cancer-predisposing syndrome. Last evaluated: 2025-10-03. Review status: criteria provided, single submitter. Criteria: Ambry Variant Classification Scheme 2023. Collection method: clinical testing. Allele origin: germline.
Comment: The p.F315Y variant (also known as c.944T>A), located in coding exon 7 of the POT1 gene, results from a T to A substitution at nucleotide position 944. The phenylalanine at codon 315 is replaced by tyrosine, an amino acid with highly similar properties. This amino acid position is conserved. In addition, this alteration is predicted to be tolerated by in silico analysis. Based on the available evidence, the clinical significance of this variant remains unclear.

NM_015450.3(POT1):c.944T>A (p.Phe315Tyr)

Gene: POT1 (protection of telomeres 1; minus strand). Cytogenetic location: 7q31.33.
Variant type: single nucleotide variant.
Coding change: c.944T>A on transcript NM_015450.3 (MANE Select); coding-DNA position 944, T replaced by A.
Protein change: p.Phe315Tyr; replaces phenylalanine 315 with tyrosine.
Molecular consequence: missense variant. On other transcripts: non-coding transcript variant (3).
Genome position (GRCh38, 1-based): chr7:124,851,877, A>T on the plus strand (T>A on the coding strand, the complement: POT1 is on the minus strand). VCF-style: chr7-124851877-A-T. GRCh37 (hg19) VCF-style: chr7-124491931-A-T.
Other names: c.551T>A, p.Phe184Tyr (NM_001042594.2); short protein forms F184Y, F315Y.
Identifiers: ClinVar variation 4673517 (VCV004673517.1).
Genomic context (GRCh38, chr7:124,851,877, plus strand): 5'-TAAAACTATTTTATTTAGCAAGAACTAAACTGTCAATGTTAAAGATTATCCTTACTTGGA[A>T]AGCTGTCGTCAGGTTCTGATTGACAGATAACATCTGAATGCTGATTGGCTGTCAAATTTG-3'
Protein context (NP_056265.2, residues 305-325): VICQSEPDDS[Phe315Tyr]PSSGSVSLYE